The following is an entry in ClinVar:

NM_152416.4(NDUFAF6):c.505C>G (p.Arg169Gly)

Gene: NDUFAF6 (NADH:ubiquinone oxidoreductase complex assembly factor 6; plus strand). Cytogenetic location: 8q22.1.
Variant type: single nucleotide variant.
Coding change: c.505C>G on transcript NM_152416.4 (MANE Select); coding-DNA position 505, C replaced by G.
Protein change: p.Arg169Gly; replaces arginine 169 with glycine.
Molecular consequence: missense variant. On other transcripts: non-coding transcript variant (6).
Genome position (GRCh38, 1-based): chr8:95,045,572, C>G. VCF-style: chr8-95045572-C-G. GRCh37 (hg19) VCF-style: chr8-96057800-C-G.
Other names: c.229C>G, p.Arg77Gly (NM_001330582.2, NM_001354514.2, NM_001354515.2 and 1 more transcripts); c.349C>G, p.Arg117Gly (NM_001354516.2); c.172C>G, p.Arg58Gly (NM_001354517.2, NM_001354518.2, NM_001354519.2 and 1 more transcripts); c.49C>G, p.Arg17Gly (NM_001354522.2, NM_001354524.2, NM_001354525.2 and 7 more transcripts); short protein forms R169G, R117G, R17G, R58G, R77G.
Identifiers: ClinVar variation 2754760 (VCV002754760.3), dbSNP rs762805477, ClinGen allele CA371745775.

ClinVar aggregate classification (germline): Uncertain significance (1 of 4 stars; one submission).

Submission:

Labcorp Genetics (formerly Invitae), Labcorp
Classification: Uncertain significance. Last evaluated: 2023-08-28. Review status: criteria provided, single submitter. Criteria: Invitae Variant Classification Sherloc (09022015). Collection method: clinical testing. Allele origin: germline.
Comment: This sequence change replaces arginine, which is basic and polar, with glycine, which is neutral and non-polar, at codon 169 of the NDUFAF6 protein (p.Arg169Gly). This variant is not present in population databases (gnomAD no frequency). This variant has not been reported in the literature in individuals affected with NDUFAF6-related conditions. Advanced modeling of protein sequence and biophysical properties (such as structural, functional, and spatial information, amino acid conservation, physicochemical variation, residue mobility, and thermodynamic stability) performed at Invitae indicates that this missense variant is not expected to disrupt NDUFAF6 protein function. In summary, the available evidence is currently insufficient to determine the role of this variant in disease. Therefore, it has been classified as a Variant of Uncertain Significance.